The following is an entry in ClinVar:

NM_005633.4(SOS1):c.898C>A (p.Arg300=)

Gene: SOS1 (SOS Ras/Rac guanine nucleotide exchange factor 1; minus strand). Cytogenetic location: 2p22.1.
Variant type: single nucleotide variant.
Coding change: c.898C>A on transcript NM_005633.4 (MANE Select); coding-DNA position 898, C replaced by A.
Protein change: p.Arg300=; no amino-acid change (arginine 300 retained).
Molecular consequence: synonymous variant.
Genome position (GRCh38, 1-based): chr2:39,035,467, G>T on the plus strand (C>A on the coding strand, the complement: SOS1 is on the minus strand). VCF-style: chr2-39035467-G-T. GRCh37 (hg19) VCF-style: chr2-39262608-G-T.
Other names: c.877C>A, p.Arg293= (NM_001382394.1); c.898C>A, p.Arg300= (NM_001382395.1).
Identifiers: ClinVar variation 2572811 (VCV002572811.1), dbSNP rs757720349, ClinGen allele CA425732016.

ClinVar aggregate classification (germline): Uncertain significance (1 of 4 stars; one submission).

Submission:

GeneDx
Classification: Uncertain significance. Last evaluated: 2023-01-12. Review status: criteria provided, single submitter. Criteria: GeneDx Variant Classification Process June 2021. Collection method: clinical testing. Allele origin: germline. Affected: yes.
Comment: Not observed at significant frequency in large population cohorts (gnomAD); In silico analysis supports that this variant does not alter splicing; Has not been previously published as pathogenic or benign to our knowledge